The following is an entry in ClinVar:

ClinVar aggregate classification (germline): Pathogenic (1 of 4 stars; one submission).

Submission:

Labcorp Genetics (formerly Invitae), Labcorp
Classification: Pathogenic. Last evaluated: 2021-12-22. Review status: criteria provided, single submitter. Criteria: Invitae Variant Classification Sherloc (09022015). Collection method: clinical testing. Allele origin: germline.
Comment: This sequence change creates a premature translational stop signal (p.Val2245Argfs*8) in the KMT2B gene. It is expected to result in an absent or disrupted protein product. Loss-of-function variants in KMT2B are known to be pathogenic (PMID: 27839873, 27992417). This variant is not present in population databases (gnomAD no frequency). This variant has not been reported in the literature in individuals affected with KMT2B-related conditions. For these reasons, this variant has been classified as Pathogenic.

Literature cited by the submitters: PubMed 27839873; PubMed 27992417.

NM_014727.3(KMT2B):c.6733_6757del (p.Val2245fs)

Gene: KMT2B (lysine methyltransferase 2B; plus strand). Cytogenetic location: 19q13.12.
Variant type: Deletion.
Coding change: c.6733_6757del on transcript NM_014727.3 (MANE Select); coding-DNA positions 6733 to 6757, 25 bases deleted (GTGGTCGGAGTGGTCCGCCCTGCCC).
Protein change: p.Val2245fs; shifts the reading frame from valine 2245.
Molecular consequence: frameshift variant.
Genome position (GRCh38, 1-based): chr19:35,733,282-35,733,306, GTGGTCGGAGTGGTCCGCCCTGCCC deleted; deleting any 25 consecutive bases within chr19:35,733,276-35,733,306 gives the same sequence; the c. name uses the placement nearest the transcript's 3' end. VCF-style (leftmost placement, unchanged base first): chr19-35733275-GCTGCCCGTGGTCGGAGTGGTCCGCC-G. GRCh37 (hg19) VCF-style: chr19-36224176-GCTGCCCGTGGTCGGAGTGGTCCGCC-G.
Other names: short protein forms V2245fs.
Identifiers: ClinVar variation 2052813 (VCV002052813.4), dbSNP rs2513355378, ClinGen allele CA2580096835.
Genomic context (GRCh38, chr19:35,733,275, plus strand): 5'-CACCATTTCCCCCACGGCTCCCACCTCCTGGACTCTGCCCCCAGGCCCCCTCCTCGGCGT[GCTGCCCGTGGTCGGAGTGGTCCGCC>G]CTGCCCCGCCCCCGCCACCCCCTCCCCTGACGCTGGTGCTGAGCAGTGGGCCAGCCAGCC-3'